The following is an entry in ClinVar:

ClinVar aggregate classification (germline): Uncertain significance (1 of 4 stars; one submission).

Conditions:
Cardiovascular phenotype. Identifiers: MedGen CN230736.

Submission:

Ambry Genetics
Classification: Uncertain significance for Cardiovascular phenotype. Last evaluated: 2025-10-10. Review status: criteria provided, single submitter. Criteria: Ambry Variant Classification Scheme 2023. Collection method: clinical testing. Allele origin: germline.
Comment: The p.R2326G variant (also known as c.6976C>G), located in coding exon 41 of the FLNC gene, results from a C to G substitution at nucleotide position 6976. The arginine at codon 2326 is replaced by glycine, an amino acid with dissimilar properties. This amino acid position is highly conserved in available vertebrate species. In addition, this alteration is predicted to be deleterious by in silico analysis. Based on the available evidence, the clinical significance of this variant remains unclear.

NM_001458.5(FLNC):c.6976C>G (p.Arg2326Gly)

Genes: FLNC (filamin C; plus strand), FLNC-AS1 (FLNC antisense RNA 1; minus strand). Cytogenetic location: 7q32.1.
Variant type: single nucleotide variant.
Coding change: c.6976C>G on transcript NM_001458.5 (MANE Select); coding-DNA position 6976, C replaced by G.
Protein change: p.Arg2326Gly; replaces arginine 2326 with glycine.
Molecular consequence: missense variant.
Genome position (GRCh38, 1-based): chr7:128,854,661, C>G. VCF-style: chr7-128854661-C-G. GRCh37 (hg19) VCF-style: chr7-128494715-C-G.
Other names: c.6877C>G, p.Arg2293Gly (NM_001127487.2); short protein forms R2293G, R2326G.
Identifiers: ClinVar variation 4614192 (VCV004614192.1).